The following is an entry in ClinVar:

NM_001323289.2(CDKL5):c.838_847del (p.Asp281fs)

Gene: CDKL5 (cyclin dependent kinase like 5; plus strand). Cytogenetic location: Xp22.13.
Variant type: Deletion.
Coding change: c.838_847del on transcript NM_001323289.2 (MANE Select); coding-DNA positions 838 to 847, 10 bases deleted (TTGGACCCAG; older notation c.838_847delTTGGACCCAG).
Protein change: p.Asp281fs; shifts the reading frame from aspartic acid 281.
Molecular consequence: frameshift variant.
Genome position (GRCh38, 1-based): chrX:18,598,474-18,598,483, TTGGACCCAG deleted; deleting any 10 consecutive bases within chrX:18,598,472-18,598,483 gives the same sequence; the c. name uses the placement nearest the transcript's 3' end. VCF-style (leftmost placement, unchanged base first): chrX-18598471-AAGTTGGACCC-A. GRCh37 (hg19) VCF-style: chrX-18616591-AAGTTGGACCC-A.
Other names: NM_001323289.2(CDKL5):c.838_847del; p.Asp281fs; c.838_847del, p.Asp281fs (NM_001037343.2, NM_003159.3); c.838_847del10 (NM_003159.2); short protein forms D281fs.
Identifiers: ClinVar variation 143834 (VCV000143834.4), dbSNP rs61750250, ClinGen allele CA170505.

ClinVar aggregate classification (germline): Pathogenic. Review status: criteria provided, single submitter (1 of 4 stars). 2 submissions from 2 submitters: Pathogenic (1). 1 of the submissions does not count toward it. Last evaluated 2024-09-20.

Conditions:
CDKL5 disorder. Identifiers: MedGen CN296942, MONDO:0100039.
Atypical Rett syndrome. Also called: Variant Rett Syndrome; Rett like syndrome. Identifiers: Orphanet 3095, MedGen C2748910, MONDO:0017746.

Submissions (2):

Centre for Population Genomics, CPG
Classification: Pathogenic for CDKL5 disorder. Last evaluated: 2024-09-20. Review status: criteria provided, single submitter. Criteria: McKnight et al. (Hum Mutat. 2022). Collection method: curation. Allele origin: germline. Inheritance: X-linked inheritance.
Comment: This variant has been collected from RettBASE and curated to current modified ACMG/AMP criteria. Based on the classification scheme defined by the ClinGen Rett/Angelman-like Expert Panel for Rett/AS-like Disorders Specifications to the ACMG/AMP Variant Interpretation Guidelines VCEP 3.0, this variant is classified as pathogenic. At least the following criteria are met: Predicted to result in loss of function, and LOF is a known mechanism of disease (PVS1). This variant has been identified as a de novo occurrence in an individual with CDKL5 disorder without confirmation of paternity and maternity (PM6). PMID: 15917271 This variant is absent from gnomAD v4 (PM2_Supporting).

RettBASE
Classification: Pathogenic for Atypical Rett syndrome. Last evaluated: 2014-03-13. Review status: no assertion criteria provided. Collection method: curation. Allele origin: de novo. Affected: yes. Observed: 1 variant allele. Not counted in ClinVar's aggregate classification.

Literature cited by the submitters: PubMed 15917271 (cited by RettBASE).